The following is an entry in ClinVar:

ClinVar aggregate classification (germline): Uncertain significance. Review status: criteria provided, multiple submitters, no conflicts (2 of 4 stars). 2 submissions from 2 submitters: Uncertain significance (2). Last evaluated 2025-08-20.

Conditions:
Inborn genetic diseases. Identifiers: MedGen C0950123, MeSH D030342.
Nephrotic syndrome, type 24. Identifiers: Orphanet 567548, MedGen C5543267, MONDO:0031008, OMIM 619263.

Allele frequency attached by ClinVar (database versions not stated): ESP Exome Variant Server 0.00008; gnomAD 0.00005; TOPMed 0.00007; ExAC 0.00009.
gnomAD v4.1: 124 of 1,613,634 alleles (0.0077%); highest among the groups gnomAD compares: East Asian, 0.011%; 1 homozygote.

Submissions (2):

Victorian Clinical Genetics Services, Murdoch Childrens Research Institute
Classification: Uncertain significance for Nephrotic syndrome, type 24. Last evaluated: 2025-08-20. Review status: criteria provided, single submitter. Criteria: ACMG Guidelines, 2015. Collection method: clinical testing. Allele origin: germline. Affected: yes.
Comment: This variant is classified as VUS-3C. Evidence in support of pathogenic classification: Variant is present in gnomAD <0.01 for a recessive condition (v4: 122 heterozygote(s), 1 homozygote(s)); Missense variant predicted to be damaging by in silico tool(s) or highly conserved with a major amino acid change. Additional information: Variant is predicted to result in a missense amino acid change from Arg to Trp; This variant is heterozygous; This gene is associated with autosomal recessive disease; Alternative amino acid change(s) at the same position are present in gnomAD (Highest allele count: v4: 30 heterozygote(s), 0 homozygote(s)); Previous evidence of pathogenicity for this variant is inconclusive. This variant has been classified as a VUS by a clinical laboratory in ClinVar; No published evidence of segregation with disease has been identified for this variant; No published functional evidence has been identified for this variant; No comparable missense variants have previous evidence for pathogenicity; Variant is located in the annotated formin homology 2 domain (DECIPHER); Loss of function is a known mechanism of disease in this gene and is associated with nephrotic syndrome, type 24 (MIM#619263); Inheritance information for this variant is not currently available in this individual.

Ambry Genetics
Classification: Uncertain significance for Inborn genetic diseases. Last evaluated: 2025-02-08. Review status: criteria provided, single submitter. Criteria: Ambry Variant Classification Scheme 2023. Collection method: clinical testing. Allele origin: germline.

NM_001201427.2(DAAM2):c.2026C>T (p.Arg676Trp)

Gene: DAAM2 (dishevelled associated activator of morphogenesis 2; plus strand). Cytogenetic location: 6p21.2.
Variant type: single nucleotide variant.
Coding change: c.2026C>T on transcript NM_001201427.2 (MANE Select); coding-DNA position 2026, C replaced by T.
Protein change: p.Arg676Trp; replaces arginine 676 with tryptophan.
Molecular consequence: missense variant.
Genome position (GRCh38, 1-based): chr6:39,887,558, C>T. VCF-style: chr6-39887558-C-T. GRCh37 (hg19) VCF-style: chr6-39855334-C-T.
Other names: c.2026C>T, p.Arg676Trp (NM_015345.4); short protein forms R676W.
Identifiers: ClinVar variation 2241639 (VCV002241639.5), dbSNP rs370740545, ClinGen allele CA3795149.
Genomic context (GRCh38, chr6:39,887,558, plus strand): 5'-TCCACTGAAGACATCTACCTGGCTTCCCGCAAGGTCAAAGAGCTGTCGGTCATTGATGGC[C>T]GGAGGGCCCAAAACTGCATCATCCTTCTTTCCAAGTATGTGCAAAAGAAGGTGGTTGAGT-3'
Protein context (NP_001188356.1, residues 666-686): KVKELSVIDG[Arg676Trp]RAQNCIILLS